The following is an entry in ClinVar:

ClinVar aggregate classification (germline): Likely benign (0 of 4 stars; one submission).

Conditions:
ADCY3-related disorder. Also called: ADCY3-related condition.

gnomAD v4.1: 13 of 1,614,074 alleles (0.00081%); highest among the groups gnomAD compares: Middle Eastern, 0.016%; no homozygotes.

Submission:

PreventionGenetics, part of Exact Sciences
Classification: Likely benign for ADCY3-related condition. Last evaluated: 2019-06-27. Review status: no assertion criteria provided. Collection method: clinical testing. Allele origin: germline.
Comment: This variant is classified as likely benign based on ACMG/AMP sequence variant interpretation guidelines (Richards et al. 2015 PMID: 25741868, with internal and published modifications).

NM_004036.5(ADCY3):c.2424G>A (p.Arg808=)

Gene: ADCY3 (adenylate cyclase 3; minus strand). Cytogenetic location: 2p23.3.
Variant type: single nucleotide variant.
Coding change: c.2424G>A on transcript NM_004036.5 (MANE Select); coding-DNA position 2424, G replaced by A.
Protein change: p.Arg808=; no amino-acid change (arginine 808 retained).
Molecular consequence: synonymous variant. On other transcripts: intron variant (1).
Genome position (GRCh38, 1-based): chr2:24,827,910, C>T on the plus strand (G>A on the coding strand, the complement: ADCY3 is on the minus strand). VCF-style: chr2-24827910-C-T. GRCh37 (hg19) VCF-style: chr2-25050779-C-T.
Other names: c.2424G>A, p.Arg808= (NM_001320613.2, NM_001377132.1); c.2490G>A, p.Arg830= (NM_001377128.1); c.2286G>A, p.Arg762= (NM_001377129.1); c.1701G>A, p.Arg567= (NM_001377131.1); c.2172+2799G>A (NM_001377130.1).
Identifiers: ClinVar variation 3042689 (VCV003042689.2), dbSNP rs1275702168, ClinGen allele CA425352383.